The following is an entry in ClinVar:

ClinVar aggregate classification (germline): Uncertain significance. Review status: criteria provided, multiple submitters, no conflicts (2 of 4 stars). 2 submissions from 2 submitters: Uncertain significance (2). Last evaluated 2026-06-14.

Conditions:
Familial focal epilepsy with variable foci (FPEVF). Identifiers: Orphanet 98820, MedGen C1858477, MONDO:0020310.

Allele frequency attached by ClinVar (database versions not stated): TOPMed 0.00001; gnomAD 0.00003.
gnomAD v4.1: 10 of 1,613,934 alleles (0.00062%); highest among the groups gnomAD compares: East Asian, 0.0067%; no homozygotes.

Submissions (2):

GeneDx
Classification: Uncertain significance. Last evaluated: 2026-06-14. Review status: criteria provided, single submitter. Criteria: GeneDx Variant Classification Process June 2021. Collection method: clinical testing. Allele origin: germline.
Comment: Not observed at significant frequency in large population cohorts (gnomAD); In silico analysis supports that this missense variant has a deleterious effect on protein structure/function; Has not been previously published as pathogenic or benign to our knowledge

Labcorp Genetics (formerly Invitae), Labcorp
Classification: Uncertain significance for Familial focal epilepsy with variable foci. Last evaluated: 2022-10-25. Review status: criteria provided, single submitter. Criteria: Invitae Variant Classification Sherloc (09022015). Collection method: clinical testing. Allele origin: germline.
Comment: This variant is present in population databases (no rsID available, gnomAD 0.003%). This variant has not been reported in the literature in individuals affected with DEPDC5-related conditions. Algorithms developed to predict the effect of missense changes on protein structure and function are either unavailable or do not agree on the potential impact of this missense change (SIFT: "Deleterious"; PolyPhen-2: "Not Available"; Align-GVGD: "Class C0"). In summary, the available evidence is currently insufficient to determine the role of this variant in disease. Therefore, it has been classified as a Variant of Uncertain Significance. This sequence change replaces aspartic acid, which is acidic and polar, with asparagine, which is neutral and polar, at codon 395 of the DEPDC5 protein (p.Asp395Asn).

NM_001242896.3(DEPDC5):c.1183G>A (p.Asp395Asn)

Gene: DEPDC5 (DEP domain containing 5, GATOR1 subcomplex subunit; plus strand). Cytogenetic location: 22q12.3.
Variant type: single nucleotide variant.
Coding change: c.1183G>A on transcript NM_001242896.3 (MANE Select); coding-DNA position 1183, G replaced by A.
Protein change: p.Asp395Asn; replaces aspartic acid 395 with asparagine.
Molecular consequence: missense variant. On other transcripts: non-coding transcript variant (5).
Genome position (GRCh38, 1-based): chr22:31,804,881, G>A. VCF-style: chr22-31804881-G-A. GRCh37 (hg19) VCF-style: chr22-32200867-G-A.
Other names: c.1183G>A, p.Asp395Asn (NM_001007188.4, NM_001136029.4, NM_001242897.2 and 7 more transcripts); c.1099G>A, p.Asp367Asn (NM_001369901.1, NM_001369902.1); c.1183G>A (NM_001242896.1); short protein forms D395N, D367N.
Identifiers: ClinVar variation 2141837 (VCV002141837.6), dbSNP rs1387253051, ClinGen allele CA411293577.